The following is an entry in ClinVar:

ClinVar aggregate classification (germline): Likely pathogenic (1 of 4 stars; one submission).

Conditions:
CFTR-related disorder (CFTR-RD). Also called: CFTR-related disorders; CFTR-related condition. Identifiers: MedGen C5924204, MONDO:7770004.

Submission:

Natera, Inc.
Classification: Likely pathogenic for CFTR-related disorders. Last evaluated: 2025-12-17. Review status: criteria provided, single submitter. Criteria: Natera Variant Classification Schema (03/2026). Collection method: clinical testing. Allele origin: germline.
Comment: The c.1496dup variant in CFTR is a frameshift variant predicted to shift the reading frame beginning at codon 500 and leads to a stop codon 4 codons downstream. This variant is expected to result in nonsense mediated decay, truncation, or a dysfunctional protein product. This variant is rare in the general population with a frequency below the threshold expected for the associated phenotype(s). Given the available evidence, this variant is classified as Likely Pathogenic.

NM_000492.4(CFTR):c.1496dup (p.Gly500fs)

Genes: CFTR (CF transmembrane conductance regulator; plus strand), CFTR-AS1 (CFTR antisense RNA 1; minus strand). Cytogenetic location: 7q31.2.
Variant type: Duplication.
Coding change: c.1496dup on transcript NM_000492.4 (MANE Select); coding-DNA position 1496, one base duplicated (C; older notation c.1496dupC).
Protein change: p.Gly500fs; shifts the reading frame from glycine 500.
Molecular consequence: frameshift variant.
Genome position (GRCh38, 1-based): chr7:117,559,567, C duplicated; the last of 2 consecutive C bases (chr7:117,559,566-117,559,567); duplicating either gives the same sequence. VCF-style (leftmost placement, unchanged base first): chr7-117559565-G-GC. GRCh37 (hg19) VCF-style: chr7-117199619-G-GC.
Other names: short protein forms G500fs.
Identifiers: ClinVar variation 4818476 (VCV004818476.1).